The following is an entry in ClinVar:

ClinVar aggregate classification (germline): Uncertain significance (1 of 4 stars; one submission).

Allele frequency attached by ClinVar (database versions not stated): gnomAD exomes below 0.00001.
gnomAD v4.1: 3 of 1,614,236 alleles (0.00019%); highest among the groups gnomAD compares: Non-Finnish European, 0.00025%; no homozygotes.

Submission:

Labcorp Genetics (formerly Invitae), Labcorp
Classification: Uncertain significance. Last evaluated: 2022-02-13. Review status: criteria provided, single submitter. Criteria: Invitae Variant Classification Sherloc (09022015). Collection method: clinical testing. Allele origin: germline.
Comment: This variant has not been reported in the literature in individuals affected with RUSC2-related conditions. Algorithms developed to predict the effect of missense changes on protein structure and function are either unavailable or do not agree on the potential impact of this missense change (SIFT: "Deleterious"; PolyPhen-2: "Probably Damaging"; Align-GVGD: "Class C0"). In summary, the available evidence is currently insufficient to determine the role of this variant in disease. Therefore, it has been classified as a Variant of Uncertain Significance. This sequence change replaces proline, which is neutral and non-polar, with leucine, which is neutral and non-polar, at codon 788 of the RUSC2 protein (p.Pro788Leu). This variant is not present in population databases (gnomAD no frequency).

NM_014806.5(RUSC2):c.2363C>T (p.Pro788Leu)

Gene: RUSC2 (RUN and SH3 domain containing 2; plus strand). Cytogenetic location: 9p13.3.
Variant type: single nucleotide variant.
Coding change: c.2363C>T on transcript NM_014806.5 (MANE Select); coding-DNA position 2363, C replaced by T.
Protein change: p.Pro788Leu; replaces proline 788 with leucine.
Molecular consequence: missense variant. On other transcripts: 5 prime UTR variant (1), non-coding transcript variant (1).
Genome position (GRCh38, 1-based): chr9:35,555,408, C>T. VCF-style: chr9-35555408-C-T. GRCh37 (hg19) VCF-style: chr9-35555405-C-T.
Other names: c.2363C>T, p.Pro788Leu (NM_001135999.2); c.-272C>T (NM_001330740.2); short protein forms P788L.
Identifiers: ClinVar variation 2097399 (VCV002097399.4), dbSNP rs2490402492, ClinGen allele CA373341222.
Genomic context (GRCh38, chr9:35,555,408, plus strand): 5'-AGCCAGAGACCTCTCGGCCATCGCCCCTGGGCAGCTACTCCCCCATCCGGAGTGTTGGCC[C>T]CTTTGGGCCCAGCACTGACTCTTCTGCCTCCACTTCGTGCTCCCCTCCCCCAGAGCAGCC-3'
Protein context (NP_055621.2, residues 778-798): GSYSPIRSVG[Pro788Leu]FGPSTDSSAS